The following is an entry in ClinVar:

ClinVar aggregate classification (germline): Uncertain significance (1 of 4 stars; one submission).

Submission:

Dasa
Classification: Uncertain significance. Last evaluated: 2026-08-13. Review status: criteria provided, single submitter. Criteria: DASA Assertion Criteria. Collection method: clinical testing. Allele origin: germline.
Comment: NM_139058.3(ARX):c.1274C>T (p.Ala425Val) is a missense variant that results in the substitution of alanine with valine. This variant is rare in population databases. The currently available literature and clinical evidence are not sufficient to establish a definitive association between this variant and the reported condition. Therefore, this variant is classified as a variant of uncertain significance.

NM_139058.3(ARX):c.1274C>T (p.Ala425Val)

Gene: ARX (aristaless related homeobox; minus strand). Cytogenetic location: Xp21.3.
Variant type: single nucleotide variant.
Coding change: c.1274C>T on transcript NM_139058.3 (MANE Select); coding-DNA position 1274, C replaced by T.
Protein change: p.Ala425Val; replaces alanine 425 with valine.
Molecular consequence: missense variant.
Genome position (GRCh38, 1-based): chrX:25,007,285, G>A on the plus strand (C>T on the coding strand, the complement: ARX is on the minus strand). VCF-style: chrX-25007285-G-A. GRCh37 (hg19) VCF-style: chrX-25025402-G-A.
Other names: short protein forms A425V.
Identifiers: ClinVar variation 5020997 (VCV005020997.1).